The following is an entry in ClinVar:

NM_000257.4(MYH7):c.2563_2656del (p.Glu855fs)

Genes: MYH7 (myosin heavy chain 7; minus strand), LOC126861898 (BRD4-independent group 4 enhancer GRCh37_chr14:23893609-23894808; plus strand). Cytogenetic location: 14q11.2.
Variant type: Deletion.
Coding change: c.2563_2656del on transcript NM_000257.4 (MANE Select); coding-DNA positions 2563 to 2656, 94 bases deleted.
Protein change: p.Glu855fs; shifts the reading frame from glutamic acid 855.
Molecular consequence: frameshift variant.
Genome position (GRCh38, 1-based): chr14:23,424,792-23,424,885, 94 bases deleted. GRCh37 (hg19): chr14:23,894,002-23,894,095.
Other names: short protein forms E855fs.
Identifiers: ClinVar variation 983521 (VCV000983521.2), dbSNP rs1892625481, ClinGen allele CA1139663388.

ClinVar aggregate classification (germline): Likely pathogenic (1 of 4 stars; one submission).

Conditions:
Hypertrophic cardiomyopathy. Also called: HYPERTROPHIC MYOCARDIOPATHY. Identifiers: Orphanet 217569, MedGen C0007194, MeSH D002312, MONDO:0005045, HP:0001639.
Biventricular noncompaction cardiomyopathy. Identifiers: MedGen C4022713, HP:0012818.

Submission:

Petrovsky National Research Centre of Surgery, The Federal Agency for Scientific Organizations
Classification: Likely pathogenic for Hypertrophic cardiomyopathy; Biventricular noncompaction cardiomyopathy. Last evaluated: 2020-10-15. Review status: criteria provided, single submitter. Criteria: ACMG Guidelines, 2015. Collection method: clinical testing. Allele origin: unknown. Inheritance: Autosomal dominant inheritance. Affected: yes. Observed: 1 heterozygote.
Comment: To our knowledge, p.E855del variant was not previously reported in GnomAD and ExAC databases. Online bioinformatic resources classify p.E855del variant as probably pathogenic. In the absence of family screening and functional studies the p.E855del variant (according to ACMG Guidelines) could be classified as a variant of unknown clinical significance. However, the p.E855del variant is located within the mutation cluster described by Walsh et al. (2017) in patients with hypertrophic cardiomyopathy. Due to the fact that our patient was also diagnosed with hypertrophic cardiomyopathy, we assume that the p.E855del variant could be classified as likely pathogenic because of its location in a mutation cluster.